The following is an entry in ClinVar:

ClinVar aggregate classification (germline): Uncertain significance (1 of 4 stars; one submission).

Submission:

GeneDx
Classification: Uncertain significance. Last evaluated: 2025-01-18. Review status: criteria provided, single submitter. Criteria: GeneDx Variant Classification Process June 2021. Collection method: clinical testing. Allele origin: germline. Affected: yes.
Comment: Not observed at significant frequency in large population cohorts (gnomAD); In silico analysis supports that this missense variant has a deleterious effect on protein structure/function; Has not been previously published as pathogenic or benign to our knowledge

NM_015040.4(PIKFYVE):c.2617C>G (p.Leu873Val)

Gene: PIKFYVE (phosphoinositide kinase, FYVE-type zinc finger containing; plus strand). Cytogenetic location: 2q34.
Variant type: single nucleotide variant.
Coding change: c.2617C>G on transcript NM_015040.4 (MANE Select); coding-DNA position 2617, C replaced by G.
Protein change: p.Leu873Val; replaces leucine 873 with valine.
Molecular consequence: missense variant.
Genome position (GRCh38, 1-based): chr2:208,325,428, C>G. VCF-style: chr2-208325428-C-G. GRCh37 (hg19) VCF-style: chr2-209190152-C-G.
Other names: short protein forms L873V.
Identifiers: ClinVar variation 4072509 (VCV004072509.1).